The following is an entry in ClinVar:

ClinVar aggregate classification (germline): Likely benign (1 of 4 stars; one submission).

Submission:

GeneDx
Classification: Likely benign. Last evaluated: 2018-03-09. Review status: criteria provided, single submitter. Criteria: GeneDx Variant Classification (06012015). Collection method: clinical testing. Allele origin: germline. Affected: yes.
Comment: This variant is considered likely benign or benign based on one or more of the following criteria: it is a conservative change, it occurs at a poorly conserved position in the protein, it is predicted to be benign by multiple in silico algorithms, and/or has population frequency not consistent with disease.

NM_024120.5(NDUFAF5):c.945+17G>C

Gene: NDUFAF5 (NADH:ubiquinone oxidoreductase complex assembly factor 5; plus strand). Cytogenetic location: 20p12.1.
Variant type: single nucleotide variant.
Coding change: c.945+17G>C on transcript NM_024120.5 (MANE Select); 17 bases into the intron after coding-DNA position 945, G replaced by C.
Molecular consequence: intron variant.
Genome position (GRCh38, 1-based): chr20:13,816,974, G>C. VCF-style: chr20-13816974-G-C. GRCh37 (hg19) VCF-style: chr20-13797620-G-C.
Other names: c.384+17G>C (NM_001352407.2, NM_001352406.2); c.861+17G>C (NM_001039375.3); c.474+17G>C (NM_001352403.2).
Identifiers: ClinVar variation 515892 (VCV000515892.1), dbSNP rs1555838998, ClinGen allele CA658799347.